The following is an entry in ClinVar:

NM_018010.4(IFT57):c.35G>C (p.Gly12Ala)

Gene: IFT57 (intraflagellar transport 57; minus strand). Cytogenetic location: 3q13.13.
Variant type: single nucleotide variant.
Coding change: c.35G>C on transcript NM_018010.4 (MANE Select); coding-DNA position 35, G replaced by C.
Protein change: p.Gly12Ala; replaces glycine 12 with alanine.
Molecular consequence: missense variant.
Genome position (GRCh38, 1-based): chr3:108,222,288, C>G on the plus strand (G>C on the coding strand, the complement: IFT57 is on the minus strand). VCF-style: chr3-108222288-C-G. GRCh37 (hg19) VCF-style: chr3-107941135-C-G.
Other names: c.35G>C (NM_018010.3); short protein forms G12A.
Identifiers: ClinVar variation 1094046 (VCV001094046.12), dbSNP rs114893980, ClinGen allele CA2526857.

ClinVar aggregate classification (germline): Likely benign. Review status: criteria provided, multiple submitters, no conflicts (2 of 4 stars). 3 submissions from 3 submitters: Likely benign (2). 1 of the submissions does not count toward it. Last evaluated 2026-01-18.

Conditions:
IFT57-related disorder. Also called: IFT57-related condition.

Allele frequency attached by ClinVar (database versions not stated): ExAC 0.00112; gnomAD exomes 0.00137; gnomAD 0.00140 and 0.00148; ESP Exome Variant Server 0.00154; TOPMed 0.00176; 1000 Genomes Project 0.00200; 1000 Genomes Project 30x 0.00203.
gnomAD v4.1: 3,002 of 1,613,570 alleles (0.19%); highest among the groups gnomAD compares: Admixed American, 0.32%; 2 homozygotes.

Submissions (3):

Labcorp Genetics (formerly Invitae), Labcorp
Classification: Likely benign. Last evaluated: 2026-01-18. Review status: criteria provided, single submitter. Criteria: Invitae Variant Classification Sherloc (09022015). Collection method: clinical testing. Allele origin: germline.

Breakthrough Genomics
Classification: Likely benign. Review status: criteria provided, single submitter. Criteria: ACMG Guidelines, 2015. Collection method: not provided. Allele origin: germline. Inheritance: Autosomal recessive inheritance. Affected: yes.

PreventionGenetics, part of Exact Sciences
Classification: Likely benign for IFT57-related condition. Last evaluated: 2022-05-18. Review status: no assertion criteria provided. Collection method: clinical testing. Allele origin: germline. Not counted in ClinVar's aggregate classification.
Comment: This variant is classified as likely benign based on ACMG/AMP sequence variant interpretation guidelines (Richards et al. 2015 PMID: 25741868, with internal and published modifications).